The following is an entry in ClinVar:

ClinVar aggregate classification (germline): Uncertain significance (1 of 4 stars; one submission).

Conditions:
Familial hemiplegic migraine. Identifiers: MedGen C0338484, MONDO:0000700.

Submission:

Labcorp Genetics (formerly Invitae), Labcorp
Classification: Uncertain significance for Familial hemiplegic migraine. Last evaluated: 2021-08-11. Review status: criteria provided, single submitter. Criteria: Invitae Variant Classification Sherloc (09022015). Collection method: clinical testing. Allele origin: germline.
Comment: This variant has not been reported in the literature in individuals affected with ATP1A2-related conditions. This variant is not present in population databases (ExAC no frequency). This sequence change replaces serine with cysteine at codon 367 of the ATP1A2 protein (p.Ser367Cys). The serine residue is highly conserved and there is a moderate physicochemical difference between serine and cysteine. Advanced modeling of protein sequence and biophysical properties (such as structural, functional, and spatial information, amino acid conservation, physicochemical variation, residue mobility, and thermodynamic stability) performed at Invitae indicates that this missense variant is expected to disrupt ATP1A2 protein function. In summary, the available evidence is currently insufficient to determine the role of this variant in disease. Therefore, it has been classified as a Variant of Uncertain Significance.

NM_000702.4(ATP1A2):c.1100C>G (p.Ser367Cys)

Gene: ATP1A2 (ATPase Na+/K+ transporting subunit alpha 2; plus strand). Cytogenetic location: 1q23.2.
Variant type: single nucleotide variant.
Coding change: c.1100C>G on transcript NM_000702.4 (MANE Select); coding-DNA position 1100, C replaced by G.
Protein change: p.Ser367Cys; replaces serine 367 with cysteine.
Molecular consequence: missense variant.
Genome position (GRCh38, 1-based): chr1:160,128,734, C>G. VCF-style: chr1-160128734-C-G. GRCh37 (hg19) VCF-style: chr1-160098524-C-G.
Other names: short protein forms S367C.
Identifiers: ClinVar variation 1436297 (VCV001436297.6), dbSNP rs2101989154, ClinGen allele CA343239383.